The following is an entry in ClinVar:

ClinVar aggregate classification (germline): Uncertain significance (1 of 4 stars; one submission).

Submission:

Ambry Genetics
Classification: Uncertain significance. Last evaluated: 2026-03-14. Review status: criteria provided, single submitter. Criteria: Ambry Variant Classification Scheme 2023. Collection method: clinical testing. Allele origin: germline.
Comment: The p.L529M variant (also known as c.1585T>A), located in coding exon 13 of the GEN1 gene, results from a T to A substitution at nucleotide position 1585. The leucine at codon 529 is replaced by methionine, an amino acid with highly similar properties. This amino acid position is conserved. In addition, this alteration is predicted to be tolerated by in silico analysis. Based on the available evidence, the clinical significance of this variant remains unclear.

NM_001130009.3(GEN1):c.1585T>A (p.Leu529Met)

Gene: GEN1 (GEN1 structure-specific endonuclease; plus strand). Cytogenetic location: 2p24.2.
Variant type: single nucleotide variant.
Coding change: c.1585T>A on transcript NM_001130009.3 (MANE Select); coding-DNA position 1585, T replaced by A.
Protein change: p.Leu529Met; replaces leucine 529 with methionine.
Molecular consequence: missense variant.
Genome position (GRCh38, 1-based): chr2:17,780,797, T>A. VCF-style: chr2-17780797-T-A. GRCh37 (hg19) VCF-style: chr2-17962064-T-A.
Other names: c.1585T>A, p.Leu529Met (NM_182625.5); short protein forms L529M.
Identifiers: ClinVar variation 4826311 (VCV004826311.1).
Genomic context (GRCh38, chr2:17,780,797, plus strand): 5'-TCGGGGATTTCCCCTGATCCTACATTACCACAGGAATCTATTTCTGCCTCATTGAATAGC[T>A]TGCTTTTACCTAAAAATACTCCATGTTTGAATGCACAAGAACAGTTCATGTCTTCTCTAA-3'
Protein context (NP_001123481.3, residues 519-539): QESISASLNS[Leu529Met]LLPKNTPCLN